The following is an entry in ClinVar:

ClinVar aggregate classification (germline): Benign. Review status: criteria provided, multiple submitters, no conflicts (2 of 4 stars). 3 submissions from 3 submitters: Benign (3). Last evaluated 2021-06-10.

Conditions:
Miyoshi muscular dystrophy 1 (MMD1). Identifiers: Orphanet 45448, MedGen C4551973, MONDO:0024545, OMIM 254130.

Allele frequency attached by ClinVar (database versions not stated): 1000 Genomes Project 30x 0.22439; 1000 Genomes Project 0.22883; TOPMed 0.22313.
gnomAD v4.1: 339,684 of 1,588,322 alleles (21%); highest among the groups gnomAD compares: East Asian, 36%; 37,519 homozygotes.

Submissions (3):

Genome-Nilou Lab
Classification: Benign for Miyoshi muscular dystrophy 1. Last evaluated: 2021-06-10. Review status: criteria provided, single submitter. Criteria: ACMG Guidelines, 2015. Collection method: clinical testing. Allele origin: germline. Affected: no.

GeneDx
Classification: Benign. Last evaluated: 2018-06-18. Review status: criteria provided, single submitter. Criteria: GeneDx Variant Classification (06012015). Collection method: clinical testing. Allele origin: germline. Affected: yes.
Comment: This variant is considered likely benign or benign based on one or more of the following criteria: it is a conservative change, it occurs at a poorly conserved position in the protein, it is predicted to be benign by multiple in silico algorithms, and/or has population frequency not consistent with disease.

Breakthrough Genomics
Classification: Benign. Review status: criteria provided, single submitter. Criteria: ACMG Guidelines, 2015. Collection method: not provided. Allele origin: germline. Inheritance: Autosomal recessive inheritance. Affected: yes.

NM_001130987.2(DYSF):c.3229-61G>C

Gene: DYSF (dysferlin; plus strand). Cytogenetic location: 2p13.2.
Variant type: single nucleotide variant.
Coding change: c.3229-61G>C on transcript NM_001130987.2 (MANE Select); 61 bases into the intron before coding-DNA position 3229, G replaced by C.
Molecular consequence: intron variant.
Genome position (GRCh38, 1-based): chr2:71,574,137, G>C. VCF-style: chr2-71574137-G-C. GRCh37 (hg19) VCF-style: chr2-71801267-G-C.
Other names: c.3268-61G>C (NM_001130979.2); c.3226-61G>C (NM_001130981.2, NM_001130980.2); c.3175-61G>C (NM_001130978.2, NM_003494.4); c.3133-61G>C (NM_001130977.2, NM_001130976.2); c.3271-61G>C (NM_001130982.2); c.3229-61G>C (NM_001130985.2); c.3178-61G>C (NM_001130983.2, NM_001130455.2); c.3136-61G>C (NM_001130984.2, NM_001130986.2).
Identifiers: ClinVar variation 681362 (VCV000681362.5), dbSNP rs57041989, ClinGen allele CA11017542.